The following is an entry in ClinVar:

NM_000489.6(ATRX):c.5168T>G (p.Ile1723Ser)

Gene: ATRX (ATRX chromatin remodeler; minus strand). Cytogenetic location: Xq21.1.
Variant type: single nucleotide variant.
Coding change: c.5168T>G on transcript NM_000489.6 (MANE Select); coding-DNA position 5168, T replaced by G.
Protein change: p.Ile1723Ser; replaces isoleucine 1723 with serine.
Molecular consequence: missense variant.
Genome position (GRCh38, 1-based): chrX:77,620,499, A>C on the plus strand (T>G on the coding strand, the complement: ATRX is on the minus strand). VCF-style: chrX-77620499-A-C. GRCh37 (hg19) VCF-style: chrX-76875967-A-C.
Other names: c.5054T>G, p.Ile1685Ser (NM_138270.5); short protein forms I1685S, I1723S.
Identifiers: ClinVar variation 4801099 (VCV004801099.1).
Genomic context (GRCh38, chrX:77,620,499, plus strand): 5'-CTCCTCCTTGATCGTATAGAATTCATAGCTTTAGAAACAGCAGATGCTTCATTTTTTAGA[A>C]TATGGCCTTCATCACAAACAACAAAATCAGGGCCTACAAAAATAAACAGAAAAATAACAC-3'
Protein context (NP_000480.3, residues 1713-1733): PDFVVCDEGH[Ile1723Ser]LKNEASAVSK

ClinVar aggregate classification (germline): Uncertain significance (1 of 4 stars; one submission).

Conditions:
Alpha thalassemia-X-linked intellectual disability syndrome (ATRX). Also called: ALPHA-THALASSEMIA/MENTAL RETARDATION SYNDROME, X-LINKED; ATR, NONDELETION TYPE; ATR-X syndrome; Alpha thalassemia mental retardation syndrome, nondeletion type, X-linked; XLMR hypotonic face syndrome; X-linked alpha-thalassemia-mental retardation syndrome. Identifiers: Orphanet 847, MedGen C1845055, MONDO:0010519, OMIM 301040.

Submission:

Labcorp Genetics (formerly Invitae), Labcorp
Classification: Uncertain significance for Alpha thalassemia-X-linked intellectual disability syndrome. Last evaluated: 2025-06-29. Review status: criteria provided, single submitter. Criteria: Invitae Variant Classification Sherloc (09022015). Collection method: clinical testing. Allele origin: germline.
Comment: This sequence change replaces isoleucine, which is neutral and non-polar, with serine, which is neutral and polar, at codon 1723 of the ATRX protein (p.Ile1723Ser). This variant is not present in population databases (gnomAD no frequency). This variant has not been reported in the literature in individuals affected with ATRX-related conditions. Invitae Evidence Modeling of protein sequence and biophysical properties (such as structural, functional, and spatial information, amino acid conservation, physicochemical variation, residue mobility, and thermodynamic stability) has been performed for this missense variant. However, the output from this modeling did not meet the statistical confidence thresholds required to predict the impact of this variant on ATRX protein function. In summary, the available evidence is currently insufficient to determine the role of this variant in disease. Therefore, it has been classified as a Variant of Uncertain Significance.